The following is an entry in ClinVar:

ClinVar aggregate classification (germline): Likely pathogenic (1 of 4 stars; one submission).

Conditions:
Autosomal recessive polycystic kidney disease (ARPKD). Also called: AR polycystic kidney disease. Identifiers: Orphanet 731, Orphanet 8378, MedGen C0085548, MeSH D017044, MONDO:0009889.

Submission:

Natera, Inc.
Classification: Likely pathogenic for Autosomal recessive polycystic kidney disease. Last evaluated: 2025-04-30. Review status: criteria provided, single submitter. Criteria: Natera Variant Classification Schema (03/2026). Collection method: clinical testing. Allele origin: germline.
Comment: The c.11711delA variant in PKHD1 is a frameshift variant predicted to shift the reading frame beginning at codon 3904 and leads to a stop codon 27 codons downstream. This variant is expected to result in nonsense mediated decay, truncation, or a dysfunctional protein product. This variant is rare in the general population with a frequency below the threshold expected for the associated phenotype(s). Given the available evidence, this variant is classified as Likely Pathogenic.

NM_138694.4(PKHD1):c.11711del (p.Asn3904fs)

Gene: PKHD1 (PKHD1 ciliary IPT domain containing fibrocystin/polyductin; minus strand). Cytogenetic location: 6p12.3.
Variant type: Deletion.
Coding change: c.11711del on transcript NM_138694.4 (MANE Select); coding-DNA position 11711, one base deleted (A; older notation c.11711delA).
Protein change: p.Asn3904fs; shifts the reading frame from asparagine 3904.
Molecular consequence: frameshift variant.
Genome position (GRCh38, 1-based): chr6:51,627,071, T deleted on the plus strand (A on the coding strand, the reverse complement: PKHD1 is on the minus strand); the first of 4 consecutive T bases (chr6:51,627,071-51,627,074); deleting any one gives the same sequence. VCF-style (leftmost placement, unchanged base first): chr6-51627070-AT-A. GRCh37 (hg19) VCF-style: chr6-51491868-AT-A.
Other names: short protein forms N3904fs.
Identifiers: ClinVar variation 4816556 (VCV004816556.1).
Genomic context (GRCh38, chr6:51,627,070, plus strand): 5'-AGTGTCTTCTTTTTTGGGCCCTTGTGATTCTCGGCGTTTGGATGAGATGTGGATATGAAT[AT>A]TTTGATTATTAGTCTGGGATTCAGGAATCTCTTCAGGTTTTGTTTCTGTATTAATGGAGA-3'